The following is an entry in ClinVar:

ClinVar aggregate classification (germline): Uncertain significance (1 of 4 stars; one submission).

Allele frequency attached by ClinVar (database versions not stated): gnomAD exomes below 0.00001; TOPMed below 0.00001.
gnomAD v4.1: 2 of 1,614,164 alleles (0.00012%); highest among the groups gnomAD compares: East Asian, 0.0045%; no homozygotes.

Submission:

Labcorp Genetics (formerly Invitae), Labcorp
Classification: Uncertain significance. Last evaluated: 2021-04-06. Review status: criteria provided, single submitter. Criteria: Invitae Variant Classification Sherloc (09022015). Collection method: clinical testing. Allele origin: germline.
Comment: Algorithms developed to predict the effect of missense changes on protein structure and function are either unavailable or do not agree on the potential impact of this missense change (SIFT: "Not Available"; PolyPhen-2: "Possibly Damaging"; Align-GVGD: "Not Available"). This sequence change replaces glycine with aspartic acid at codon 309 of the UNC45A protein (p.Gly309Asp). The glycine residue is moderately conserved and there is a moderate physicochemical difference between glycine and aspartic acid. This variant is not present in population databases (ExAC no frequency). This variant has not been reported in the literature in individuals with UNC45A-related conditions. In summary, the available evidence is currently insufficient to determine the role of this variant in disease. Therefore, it has been classified as a Variant of Uncertain Significance.

NM_018671.5(UNC45A):c.926G>A (p.Gly309Asp)

Gene: UNC45A (unc-45 myosin chaperone A; plus strand). Cytogenetic location: 15q26.1.
Variant type: single nucleotide variant.
Coding change: c.926G>A on transcript NM_018671.5 (MANE Select); coding-DNA position 926, G replaced by A.
Protein change: p.Gly309Asp; replaces glycine 309 with aspartic acid.
Molecular consequence: missense variant.
Genome position (GRCh38, 1-based): chr15:90,942,981, G>A. VCF-style: chr15-90942981-G-A. GRCh37 (hg19) VCF-style: chr15-91486211-G-A.
Other names: c.881G>A, p.Gly294Asp (NM_001039675.2, NM_001323621.2); c.926G>A, p.Gly309Asp (NM_001323619.1); c.491G>A, p.Gly164Asp (NM_001323620.2); short protein forms G164D, G294D, G309D.
Identifiers: ClinVar variation 1518022 (VCV001518022.6), dbSNP rs1354251649, ClinGen allele CA393853158.
Genomic context (GRCh38, chr15:90,942,981, plus strand): 5'-GGGAGCTGAAGGTCCTCATCAGTAACCTCTTAGATCTGCTGACAGAGGTGGGGGTCTCTG[G>A]CCAAGGCCGAGACAATGCCCTGACCCTCCTGATTAAAGCGGTGCCCCGGAAGTCTCTCAA-3'
Protein context (NP_061141.2, residues 299-319): LDLLTEVGVS[Gly309Asp]QGRDNALTLL